The following is an entry in ClinVar:

NM_017662.5(TRPM6):c.6064C>G (p.Leu2022Val)

Gene: TRPM6 (transient receptor potential cation channel subfamily M member 6; minus strand). Cytogenetic location: 9q21.13.
Variant type: single nucleotide variant.
Coding change: c.6064C>G on transcript NM_017662.5 (MANE Select); coding-DNA position 6064, C replaced by G.
Protein change: p.Leu2022Val; replaces leucine 2022 with valine.
Molecular consequence: missense variant.
Genome position (GRCh38, 1-based): chr9:74,724,618, G>C on the plus strand (C>G on the coding strand, the complement: TRPM6 is on the minus strand). VCF-style: chr9-74724618-G-C. GRCh37 (hg19) VCF-style: chr9-77339534-G-C.
Other names: c.6049C>G, p.Leu2017Val (NM_001177310.2, NM_001177311.2); short protein forms L2022V, L2017V.
Identifiers: ClinVar variation 2232986 (VCV002232986.4), dbSNP rs752611015, ClinGen allele CA5083614.
Genomic context (GRCh38, chr9:74,724,618, plus strand): 5'-TCACAGAGTTCCTGGCAGGCAGGGCAAGCACTGGGATCTTCTTGCTCCTCCCTTTTTATA[G>C]TTGCATATCATCTTCTGGGGAATTTCTACCCGTCTCCCTTGCTGGAGGCTCCTCAGCTGA-3'
Protein context (NP_060132.3, residues 2012-2022): GRNSPEDDMQ[Leu2022Val]

ClinVar aggregate classification (germline): Uncertain significance. Review status: criteria provided, multiple submitters, no conflicts (2 of 4 stars). 3 submissions from 3 submitters: Uncertain significance (3). Last evaluated 2024-05-21.

Conditions:
Inborn genetic diseases. Identifiers: MedGen C0950123, MeSH D030342.
Intestinal hypomagnesemia 1. Also called: HYPOMAGNESEMIA, INTESTINAL, WITH SECONDARY HYPOCALCEMIA; HYPOMAGNESEMIC TETANY. Identifiers: Orphanet 30924, MedGen C1865974, MONDO:0011176, OMIM 602014.

Allele frequency attached by ClinVar (database versions not stated): gnomAD exomes below 0.00001; ExAC 0.00002.
gnomAD v4.1: 6 of 1,614,160 alleles (0.00037%); highest among the groups gnomAD compares: South Asian, 0.0055%; no homozygotes.

Submissions (3):

Fulgent Genetics
Classification: Uncertain significance for Intestinal hypomagnesemia 1. Last evaluated: 2024-05-21. Review status: criteria provided, single submitter. Criteria: ACMG Guidelines, 2015. Collection method: clinical testing. Allele origin: germline.

Ambry Genetics
Classification: Uncertain significance for Inborn genetic diseases. Last evaluated: 2021-07-13. Review status: criteria provided, single submitter. Criteria: Ambry Variant Classification Scheme 2023. Collection method: clinical testing. Allele origin: germline.

Neuberg Centre For Genomic Medicine, NCGM
Classification: Uncertain significance for Intestinal hypomagnesemia 1. Review status: criteria provided, single submitter. Criteria: ACMG Guidelines, 2015. Collection method: clinical testing. Allele origin: germline. Inheritance: Autosomal recessive inheritance. Affected: yes.
Comment: The missense c.6064C>G (p.Leu2022Val) variant in TRPM6 gene has not been reported previously as a pathogenic variant nor as a benign variant, to our knowledge. The p.Leu2022Val variant is present with allele frequency of 0.001% in gnomAD Exomes. This variant has been submitted to the ClinVar database as Uncertain Significance. Multiple lines of computational evidence (Polyphen - Probably Damaging, SIFT - Damaging and MutationTaster - Polymorphism) predicts conflicting evidence on protein structure and function for this variant. The amino acid Leu at position 2022 is changed to a Val changing protein sequence and it might alter its composition and physico-chemical properties. For these reasons, this variant has been classified as a Variant of Uncertain Significance (VUS).